The following is an entry in ClinVar:

ClinVar aggregate classification (germline): Likely benign (1 of 4 stars; one submission).

Conditions:
REN-related disorder. Also called: REN-related condition.

gnomAD v4.1: 62 of 1,613,904 alleles (0.0038%); highest among the groups gnomAD compares: South Asian, 0.025%; no homozygotes.

Submission:

PreventionGenetics, part of Exact Sciences
Classification: Likely benign for REN-related condition. Last evaluated: 2025-09-15. Review status: criteria provided, single submitter. Criteria: ACMG Guidelines, 2015. Collection method: clinical testing. Allele origin: germline.
Comment: This variant is classified as likely benign based on ACMG/AMP sequence variant interpretation guidelines (Richards et al. 2015 PMID: 25741868, with internal and published modifications).

NM_000537.4(REN):c.996C>T (p.Pro332=)

Gene: REN (renin; minus strand). Cytogenetic location: 1q32.1.
Variant type: single nucleotide variant.
Coding change: c.996C>T on transcript NM_000537.4 (MANE Select); coding-DNA position 996, C replaced by T.
Protein change: p.Pro332=; no amino-acid change (proline 332 retained).
Molecular consequence: synonymous variant.
Genome position (GRCh38, 1-based): chr1:204,155,883, G>A on the plus strand (C>T on the coding strand, the complement: REN is on the minus strand). VCF-style: chr1-204155883-G-A. GRCh37 (hg19) VCF-style: chr1-204125011-G-A.
Identifiers: ClinVar variation 4981893 (VCV004981893.1).